The following is an entry in ClinVar:

NM_002471.4(MYH6):c.4834G>A (p.Glu1612Lys)

Genes: MYH6 (myosin heavy chain 6; minus strand), LOC126861896 (BRD4-independent group 4 enhancer GRCh37_chr14:23854904-23856103; plus strand). Cytogenetic location: 14q11.2.
Variant type: single nucleotide variant.
Coding change: c.4834G>A on transcript NM_002471.4 (MANE Select); coding-DNA position 4834, G replaced by A.
Protein change: p.Glu1612Lys; replaces glutamic acid 1612 with lysine.
Molecular consequence: missense variant.
Genome position (GRCh38, 1-based): chr14:23,386,440, C>T on the plus strand (G>A on the coding strand, the complement: MYH6 is on the minus strand). VCF-style: chr14-23386440-C-T. GRCh37 (hg19) VCF-style: chr14-23855649-C-T.
Other names: short protein forms E1612K.
Identifiers: ClinVar variation 650479 (VCV000650479.13), dbSNP rs1417882969, ClinGen allele CA388991626.
Genomic context (GRCh38, chr14:23,386,440, plus strand): 5'-TGAGCTGGATCTCCATCTCATTGAGGTCTCCTTCCATCTTCTTCTTCACCCTCAGGACCT[C>T]GTTGCGGCTGCGTGTCTCTGCATCCAGGGAGGTCTGCAGCGAGTCCACCACCCGCTGGTG-3'
Protein context (NP_002462.2, residues 1602-1622): SLDAETRSRN[Glu1612Lys]VLRVKKKMEG

ClinVar aggregate classification (germline): Uncertain significance. Review status: criteria provided, multiple submitters, no conflicts (2 of 4 stars). 4 submissions from 4 submitters: Uncertain significance (4). Last evaluated 2024-02-23.

Conditions:
Cardiovascular phenotype. Identifiers: MedGen CN230736.
Hypertrophic cardiomyopathy 14. Identifiers: MedGen C2750467, MONDO:0013197, OMIM 613251.

Allele frequency attached by ClinVar (database versions not stated): gnomAD 0.00001.
gnomAD v4.1: 13 of 1,614,070 alleles (0.00081%); highest among the groups gnomAD compares: South Asian, 0.0011%; no homozygotes.

Submissions (4):

GeneDx
Classification: Uncertain significance. Last evaluated: 2024-02-23. Review status: criteria provided, single submitter. Criteria: GeneDx Variant Classification Process June 2021. Collection method: clinical testing. Allele origin: germline. Affected: yes.
Comment: Not observed at significant frequency in large population cohorts (gnomAD); In silico analysis supports that this missense variant has a deleterious effect on protein structure/function; Has not been previously published as pathogenic or benign to our knowledge

Labcorp Genetics (formerly Invitae), Labcorp
Classification: Uncertain significance for Hypertrophic cardiomyopathy 14. Last evaluated: 2024-01-31. Review status: criteria provided, single submitter. Criteria: Invitae Variant Classification Sherloc (09022015). Collection method: clinical testing. Allele origin: germline.
Comment: This sequence change replaces glutamic acid, which is acidic and polar, with lysine, which is basic and polar, at codon 1612 of the MYH6 protein (p.Glu1612Lys). This variant is present in population databases (no rsID available, gnomAD 0.007%). This variant has not been reported in the literature in individuals affected with MYH6-related conditions. ClinVar contains an entry for this variant (Variation ID: 650479). Advanced modeling of protein sequence and biophysical properties (such as structural, functional, and spatial information, amino acid conservation, physicochemical variation, residue mobility, and thermodynamic stability) performed at Invitae indicates that this missense variant is not expected to disrupt MYH6 protein function with a negative predictive value of 80%. In summary, the available evidence is currently insufficient to determine the role of this variant in disease. Therefore, it has been classified as a Variant of Uncertain Significance.

Ambry Genetics
Classification: Uncertain significance for Cardiovascular phenotype. Last evaluated: 2023-10-20. Review status: criteria provided, single submitter. Criteria: Ambry Variant Classification Scheme 2023. Collection method: clinical testing. Allele origin: germline.
Comment: The p.E1612K variant (also known as c.4834G>A), located in coding exon 31 of the MYH6 gene, results from a G to A substitution at nucleotide position 4834. The glutamic acid at codon 1612 is replaced by lysine, an amino acid with similar properties. This amino acid position is well conserved in available vertebrate species. In addition, this alteration is predicted to be deleterious by in silico analysis. Since supporting evidence is limited at this time, the clinical significance of this alteration remains unclear.

AiLife Diagnostics
Classification: Uncertain significance. Last evaluated: 2021-08-20. Review status: criteria provided, single submitter. Criteria: ACMG Guidelines, 2015. Collection method: clinical testing. Allele origin: germline. Affected: yes. Observed: 1 variant allele.